The following is an entry in ClinVar:

ClinVar aggregate classification (germline): Pathogenic. Review status: reviewed by expert panel (3 of 4 stars). 20 submissions from 20 submitters: Pathogenic (1). 19 of the submissions do not count toward it. Last evaluated 2016-04-22.

Conditions:
Hereditary cancer-predisposing syndrome. Also called: Hereditary Cancer Syndrome; Tumor predisposition; Neoplastic Syndromes, Hereditary; Hereditary neoplastic syndrome. Identifiers: Orphanet 140162, MedGen C0027672, MeSH D009386, MONDO:0015356.
Ovarian cancer. Also called: OVARIAN CANCER, SOMATIC. Identifiers: Orphanet 213500, MedGen C1140680, MONDO:0008170, OMIM 167000.
Ovarian neoplasm. Also called: Ovarian tumor; Ovarian Neoplasms; Neoplasm of ovary. Identifiers: MedGen C0919267, MeSH D010051, MONDO:0021068, HP:0100615.
Hereditary breast ovarian cancer syndrome. Also called: Breast and ovarian cancer; BRCA1- and BRCA2-Associated Hereditary Breast and Ovarian Cancer; Hereditary breast and ovarian cancer; Hereditary breast and ovarian cancer syndrome (HBOC); Hereditary breast and ovarian cancer syndrome; Hereditary breast and/or ovarian cancer syndrome. Identifiers: Orphanet 145, MedGen C0677776, MeSH D061325, MONDO:0003582. Disease mechanism: loss of function.
Breast-ovarian cancer, familial, susceptibility to, 1 (BROVCA1). Also called: BRCA1 Hereditary Breast and Ovarian Cancer; OVARIAN CANCER, SUSCEPTIBILITY TO. Identifiers: Orphanet 145, MedGen C2676676, MONDO:0011450, OMIM 604370. Disease mechanism: loss of function.

Submissions (20):

Evidence-based Network for the Interpretation of Germline Mutant Alleles (ENIGMA)
Classification: Pathogenic for Breast-ovarian cancer, familial, susceptibility to, 1. Last evaluated: 2016-04-22. Review status: reviewed by expert panel. Criteria: ENIGMA BRCA1/2 Classification Criteria (2015). Collection method: curation. Allele origin: germline.
Comment: Variant allele predicted to encode a truncated non-functional protein.

Women's Health and Genetics/Laboratory Corporation of America, LabCorp
Classification: Pathogenic for Hereditary breast ovarian cancer syndrome. Last evaluated: 2025-09-19. Review status: criteria provided, single submitter. Criteria: LabCorp Variant Classification Summary - May 2015. Collection method: clinical testing. Allele origin: germline. Not counted in ClinVar's aggregate classification.
Comment: Variant summary: BRCA1 c.1621C>T (p.Gln541X) results in a premature termination codon, predicted to cause a truncation of the encoded protein or absence of the protein due to nonsense mediated decay, which are commonly known mechanisms for disease. The variant was absent in 250918 control chromosomes. c.1621C>T has been observed in multiple individuals affected with Hereditary Breast And Ovarian Cancer Syndrome (e.g. Judkins_2005, Dong_1998, Hoffman_2002, Learpentier_2012). These data indicate that the variant is very likely to be associated with disease. The following publications have been ascertained in the context of this evaluation (PMID: 16267036, 22430266, 21702907, 11802209, 22762150, 16683254, 19370767, 9760198, 17826769, 23034506).ClinVar contains an entry for this variant (Variation ID: 54311). Based on the evidence outlined above, the variant was classified as pathogenic.

Labcorp Genetics (formerly Invitae), Labcorp
Classification: Pathogenic for Hereditary breast ovarian cancer syndrome. Last evaluated: 2025-08-18. Review status: criteria provided, single submitter. Criteria: Invitae Variant Classification Sherloc (09022015). Collection method: clinical testing. Allele origin: germline. Not counted in ClinVar's aggregate classification.
Comment: This sequence change creates a premature translational stop signal (p.Gln541*) in the BRCA1 gene. It is expected to result in an absent or disrupted protein product. Loss-of-function variants in BRCA1 are known to be pathogenic (PMID: 20104584). This variant is not present in population databases (gnomAD no frequency). This premature translational stop signal has been observed in individual(s) with breast and/or ovarian cancer (PMID: 9760198, 29176636, 29446198). This variant is also known as c.1740C>T. ClinVar contains an entry for this variant (Variation ID: 54311). For these reasons, this variant has been classified as Pathogenic.

Institute of Human Genetics, University of Leipzig Medical Center
Classification: Pathogenic for Breast-ovarian cancer, familial, susceptibility to, 1. Last evaluated: 2025-03-04. Review status: criteria provided, single submitter. Criteria: ACMG Guidelines, 2015. Collection method: clinical testing. Allele origin: unknown. Inheritance: Autosomal dominant inheritance. Affected: yes. Not counted in ClinVar's aggregate classification.
Comment: Criteria applied: PVS1,PS4,PM2

Institute of Medical Genetics and Applied Genomics, University Hospital Tübingen
Classification: Pathogenic for Ovarian cancer. Last evaluated: 2024-10-15. Review status: criteria provided, single submitter. Criteria: ACMG Guidelines, 2015. Collection method: clinical testing. Allele origin: germline. Inheritance: Autosomal dominant inheritance. Affected: yes. Not counted in ClinVar's aggregate classification.

CeGaT Center for Human Genetics Tuebingen
Classification: Pathogenic. Last evaluated: 2024-05-01. Review status: criteria provided, single submitter. Criteria: CeGaT Center For Human Genetics Tuebingen Variant Classification Criteria Version 2. Collection method: clinical testing. Allele origin: germline. Affected: yes. Observed: 1 variant allele. Not counted in ClinVar's aggregate classification.
Comment: BRCA1: PVS1, PM2, PS4:Moderate

Baylor Genetics
Classification: Pathogenic for Breast-ovarian cancer, familial, susceptibility to, 1. Last evaluated: 2023-11-12. Review status: criteria provided, single submitter. Criteria: ACMG Guidelines, 2015. Collection method: clinical testing. Allele origin: unknown. Not counted in ClinVar's aggregate classification.

Ambry Genetics
Classification: Pathogenic for Hereditary cancer-predisposing syndrome. Last evaluated: 2023-05-19. Review status: criteria provided, single submitter. Criteria: Ambry Variant Classification Scheme 2023. Collection method: clinical testing. Allele origin: germline. Not counted in ClinVar's aggregate classification.
Comment: The p.Q541* pathogenic mutation (also known as c.1621C>T), located in coding exon 9 of the BRCA1 gene, results from a C to T substitution at nucleotide position 1621. This changes the amino acid from a glutamine to a stop codon within coding exon 9. This alteration has been reported in multiple individuals with breast and/or ovarian cancer (Dong J et al. Hum. Genet. 1998 Aug;103:154-61; Hahnen E et al. JAMA Oncol. 2017 Oct;3:1378-1385; Harter P et al. PLoS ONE. 2017 Oct;12:e0186043; Arai M et al. J. Hum. Genet. 2018 Apr;63:447-457). This alteration was also identified in a large, worldwide study of BRCA1/2 mutation positive families (Rebbeck TR et al. Hum. Mutat. 2018 05;39:593-620). This alteration is also designated as 1740C>T in the published literature. In addition to the clinical data presented in the literature, this alteration is expected to result in loss of function by premature protein truncation or nonsense-mediated mRNA decay. As such, this alteration is interpreted as a disease-causing mutation.

Institute for Clinical Genetics, University Hospital TU Dresden, University Hospital TU Dresden
Classification: Pathogenic. Last evaluated: 2021-11-03. Review status: criteria provided, single submitter. Criteria: ACMG Guidelines, 2015. Collection method: clinical testing. Allele origin: germline. Not counted in ClinVar's aggregate classification.

Clinical Genetics and Genomics, Karolinska University Hospital
Classification: Pathogenic. Last evaluated: 2018-04-18. Review status: criteria provided, single submitter. Criteria: ACMG Guidelines, 2015. Collection method: clinical testing. Allele origin: germline. Affected: yes. Observed: 2 variant alleles. Not counted in ClinVar's aggregate classification.

Quest Diagnostics Nichols Institute San Juan Capistrano
Classification: Pathogenic. Last evaluated: 2017-04-17. Review status: criteria provided, single submitter. Criteria: Quest Diagnostics criteria. Collection method: clinical testing. Allele origin: germline. Not counted in ClinVar's aggregate classification.

Consortium of Investigators of Modifiers of BRCA1/2 (CIMBA), c/o University of Cambridge
Classification: Pathogenic for Breast-ovarian cancer, familial, susceptibility to, 1. Last evaluated: 2015-10-02. Review status: criteria provided, single submitter. Criteria: CIMBA Mutation Classification guidelines May 2016. Collection method: clinical testing. Allele origin: germline. Not counted in ClinVar's aggregate classification.

Genetics and Molecular Pathology, SA Pathology
Classification: Pathogenic for Breast-ovarian cancer, familial, susceptibility to, 1. Last evaluated: 2011-10-25. Review status: criteria provided, single submitter. Criteria: ACMG Guidelines, 2015. Collection method: clinical testing. Allele origin: germline. Affected: yes. Not counted in ClinVar's aggregate classification.

BRCAlab, Lund University
Classification: Pathogenic for Breast-ovarian cancer, familial, susceptibility to, 1. Last evaluated: 2020-03-02. Review status: no assertion criteria provided. Collection method: clinical testing. Allele origin: germline. Affected: yes. Not counted in ClinVar's aggregate classification.

German Consortium for Hereditary Breast and Ovarian Cancer, University Hospital Cologne
Classification: Pathogenic for Ovarian neoplasm. Last evaluated: 2018-12-01. Review status: no assertion criteria provided. Collection method: research. Allele origin: germline. Affected: yes. Not counted in ClinVar's aggregate classification.

Research Molecular Genetics Laboratory, Women's College Hospital, University of Toronto
Classification: Pathogenic for Hereditary breast ovarian cancer syndrome. Last evaluated: 2014-01-31. Review status: no assertion criteria provided. Collection method: research. Allele origin: germline. Affected: yes. Study: The Canadian Open Genetics Repository (COGR). Not counted in ClinVar's aggregate classification.

Sharing Clinical Reports Project (SCRP)
Classification: Pathogenic for Breast-ovarian cancer, familial 1. Last evaluated: 2008-04-09. Review status: no assertion criteria provided. Collection method: clinical testing. Allele origin: germline. Not counted in ClinVar's aggregate classification.

Breast Cancer Information Core (BIC) (BRCA1)
Classification: Pathogenic for Breast-ovarian cancer, familial 1. Last evaluated: 2002-05-29. Review status: no assertion criteria provided. Collection method: clinical testing. Allele origin: germline. Affected: yes. Observed: 5 variant alleles. Not counted in ClinVar's aggregate classification.

Clinical Genetics DNA and cytogenetics Diagnostics Lab, Erasmus MC, Erasmus Medical Center
Classification: Pathogenic. Review status: no assertion criteria provided. Collection method: clinical testing. Allele origin: germline. Affected: yes. Study: VKGL Data-share Consensus. Not counted in ClinVar's aggregate classification.

Diagnostic Laboratory, Department of Genetics, University Medical Center Groningen
Classification: Pathogenic for Breast-ovarian cancer, familial, susceptibility to, 1. Review status: no assertion criteria provided. Collection method: clinical testing. Allele origin: germline. Affected: yes. Study: VKGL Data-share Consensus. Not counted in ClinVar's aggregate classification.

Literature cited by the submitters: PubMed 16267036 (cited by Women's Health and Genetics/Laboratory Corporation of America, LabCorp); PubMed 22430266 (cited by Women's Health and Genetics/Laboratory Corporation of America, LabCorp); PubMed 21702907 (cited by Women's Health and Genetics/Laboratory Corporation of America, LabCorp); PubMed 11802209 (cited by Women's Health and Genetics/Laboratory Corporation of America, LabCorp); PubMed 22762150 (cited by Women's Health and Genetics/Laboratory Corporation of America, LabCorp); PubMed 16683254 (cited by Women's Health and Genetics/Laboratory Corporation of America, LabCorp and Quest Diagnostics Nichols Institute San Juan Capistrano); PubMed 19370767 (cited by Women's Health and Genetics/Laboratory Corporation of America, LabCorp and Quest Diagnostics Nichols Institute San Juan Capistrano); PubMed 9760198 (cited by 4 submitters); PubMed 17826769 (cited by Women's Health and Genetics/Laboratory Corporation of America, LabCorp); PubMed 23034506 (cited by Women's Health and Genetics/Laboratory Corporation of America, LabCorp and Quest Diagnostics Nichols Institute San Juan Capistrano); PubMed 20104584 (cited by Labcorp Genetics (formerly Invitae), Labcorp); PubMed 29176636 (cited by Labcorp Genetics (formerly Invitae), Labcorp and Ambry Genetics); PubMed 29446198 (cited by Labcorp Genetics (formerly Invitae), Labcorp and Ambry Genetics); PubMed 25525159 (cited by Ambry Genetics); PubMed 28715532 (cited by Ambry Genetics); PubMed 29053726 (cited by Ambry Genetics).

NM_007294.4(BRCA1):c.1621C>T (p.Gln541Ter)

Gene: BRCA1 (BRCA1 DNA repair associated; minus strand). Cytogenetic location: 17q21.31.
Variant type: single nucleotide variant.
Coding change: c.1621C>T on transcript NM_007294.4 (MANE Select); coding-DNA position 1621, C replaced by T.
Protein change: p.Gln541Ter; replaces glutamine 541 with a stop codon.
Molecular consequence: nonsense. On other transcripts: intron variant (137).
Genome position (GRCh38, 1-based): chr17:43,093,910, G>A on the plus strand (C>T on the coding strand, the complement: BRCA1 is on the minus strand). VCF-style: chr17-43093910-G-A. GRCh37 (hg19) VCF-style: chr17-41245927-G-A.
Other names: 1740C>T; c.1621C>T (NM_007300.3); c.661+834C>T (NM_001408435.1, NM_001408448.1, NM_001408445.1 and 6 more transcripts); c.784+834C>T (NM_001408401.1, NM_001408396.1, NM_001407985.1 and 13 more transcripts); c.548-2878C>T (NM_001408494.1); c.664+834C>T (NM_001408444.1, NM_001408438.1, NM_001408430.1 and 12 more transcripts); c.670+1936C>T (NM_001408423.1, NM_001408420.1, NM_001408419.1 and 2 more transcripts); c.787+834C>T (NM_001408404.1, NM_001408472.1, NM_001407990.1 and 19 more transcripts); and 42 more; short protein forms Q541*, Q494*, Q452*, Q245*, Q414*, Q430*, Q473*, Q474*.
Identifiers: ClinVar variation 54311 (VCV000054311.50), dbSNP rs80356904, ClinGen allele CA001079.